The following is an entry in ClinVar:

ClinVar aggregate classification (germline): Uncertain significance (1 of 4 stars; one submission).

Conditions:
Wilms tumor 1 (WT1). Also called: Wilms tumor, somatic. Identifiers: Orphanet 654, MedGen CN033288, MONDO:0008679, OMIM 194070.

Submission:

Labcorp Genetics (formerly Invitae), Labcorp
Classification: Uncertain significance for Wilms tumor 1. Last evaluated: 2017-09-14. Review status: criteria provided, single submitter. Criteria: Invitae Variant Classification Sherloc (09022015). Collection method: clinical testing. Allele origin: germline.
Comment: This variant is not present in population databases (ExAC no frequency). This variant has not been reported in the literature in individuals with GPC3-related disease. Algorithms developed to predict the effect of missense changes on protein structure and function do not agree on the potential impact of this missense change (SIFT: "Tolerated"; PolyPhen-2: "Possibly Damaging"; Align-GVGD: "Class C0"). In summary, the available evidence is currently insufficient to determine the role of this variant in disease. Therefore, it has been classified as a Variant of Uncertain Significance. This sequence change replaces serine with alanine at codon 74 of the GPC3 protein (p.Ser74Ala). The serine residue is weakly conserved and there is a moderate physicochemical difference between serine and alanine.

NM_004484.4(GPC3):c.220T>G (p.Ser74Ala)

Gene: GPC3 (glypican 3; minus strand). Cytogenetic location: Xq26.2.
Variant type: single nucleotide variant.
Coding change: c.220T>G on transcript NM_004484.4 (MANE Select); coding-DNA position 220, T replaced by G.
Protein change: p.Ser74Ala; replaces serine 74 with alanine.
Molecular consequence: missense variant. On other transcripts: intron variant (1).
Genome position (GRCh38, 1-based): chrX:133,953,167, A>C on the plus strand (T>G on the coding strand, the complement: GPC3 is on the minus strand). VCF-style: chrX-133953167-A-C. GRCh37 (hg19) VCF-style: chrX-133087194-A-C.
Other names: c.220T>G, p.Ser74Ala (NM_001164617.2, NM_001164618.2); c.175+32108T>G (NM_001164619.2); short protein forms S74A.
Identifiers: ClinVar variation 543090 (VCV000543090.9), dbSNP rs1556359373, ClinGen allele CA414707531.